The following is an entry in ClinVar:

NM_006218.4(PIK3CA):c.457C>T (p.Leu153Phe)

Gene: PIK3CA (phosphatidylinositol-4,5-bisphosphate 3-kinase catalytic subunit alpha; plus strand). Cytogenetic location: 3q26.32.
Variant type: single nucleotide variant.
Coding change: c.457C>T on transcript NM_006218.4 (MANE Select); coding-DNA position 457, C replaced by T.
Protein change: p.Leu153Phe; replaces leucine 153 with phenylalanine.
Molecular consequence: missense variant.
Genome position (GRCh38, 1-based): chr3:179,199,794, C>T. VCF-style: chr3-179199794-C-T. GRCh37 (hg19) VCF-style: chr3-178917582-C-T.
Other names: short protein forms L153F.
Identifiers: ClinVar variation 1741625 (VCV001741625.4), dbSNP rs1724363410, ClinGen allele CA355273937.
Genomic context (GRCh38, chr3:179,199,794, plus strand): 5'-GATCCAGAAGTACAGGACTTCCGAAGAAATATTCTGAACGTTTGTAAAGAAGCTGTGGAT[C>T]TTAGGGACCTCAATTCACCTCATAGTAGAGCAATGTATGTCTATCCTCCAAATGTAGAAT-3'
Protein context (NP_006209.2, residues 143-163): ILNVCKEAVD[Leu153Phe]RDLNSPHSRA

ClinVar aggregate classification (germline): Uncertain significance. Review status: criteria provided, multiple submitters, no conflicts (2 of 4 stars). 2 submissions from 2 submitters: Uncertain significance (2). Last evaluated 2024-11-19.

Conditions:
Cowden syndrome (CS). Also called: Cowden's disease; Cowden's syndrome; Cowden disease. Identifiers: Orphanet 201, MedGen C0018553, MONDO:0016063. Disease mechanism: gain of function.
Inborn genetic diseases. Identifiers: MedGen C0950123, MeSH D030342.

gnomAD v4.1: 1 of 1,612,128 alleles (0.000062%); highest among the groups gnomAD compares: Non-Finnish European, 0.000085%; no homozygotes.

Submissions (2):

Labcorp Genetics (formerly Invitae), Labcorp
Classification: Uncertain significance for Cowden syndrome. Last evaluated: 2024-11-19. Review status: criteria provided, single submitter. Criteria: Invitae Variant Classification Sherloc (09022015). Collection method: clinical testing. Allele origin: germline.
Comment: This sequence change replaces leucine, which is neutral and non-polar, with phenylalanine, which is neutral and non-polar, at codon 153 of the PIK3CA protein (p.Leu153Phe). This variant is not present in population databases (gnomAD no frequency). This variant has not been reported in the literature in individuals affected with PIK3CA-related conditions. ClinVar contains an entry for this variant (Variation ID: 1741625). Invitae Evidence Modeling of protein sequence and biophysical properties (such as structural, functional, and spatial information, amino acid conservation, physicochemical variation, residue mobility, and thermodynamic stability) has been performed for this missense variant. However, the output from this modeling did not meet the statistical confidence thresholds required to predict the impact of this variant on PIK3CA protein function. In summary, the available evidence is currently insufficient to determine the role of this variant in disease. Therefore, it has been classified as a Variant of Uncertain Significance.

Ambry Genetics
Classification: Uncertain significance for Inborn genetic diseases. Last evaluated: 2021-12-21. Review status: criteria provided, single submitter. Criteria: Ambry Variant Classification Scheme 2023. Collection method: clinical testing. Allele origin: germline.
Comment: The p.L153F variant (also known as c.457C>T), located in coding exon 2 of the PIK3CA gene, results from a C to T substitution at nucleotide position 457. The leucine at codon 153 is replaced by phenylalanine, an amino acid with highly similar properties. This amino acid position is conserved. In addition, this alteration is predicted to be tolerated by in silico analysis. Since supporting evidence is limited at this time, the clinical significance of this alteration remains unclear.